The following is an entry in ClinVar:

NM_001127511.3(APC):c.-133C>T

Gene: APC (APC regulator of Wnt signaling pathway; plus strand). Cytogenetic location: 5q22.2.
Variant type: single nucleotide variant.
Coding change: c.-133C>T on transcript NM_001127511.3; 133 bases upstream of the start codon, C replaced by T.
Molecular consequence: 5 prime UTR variant. On other transcripts: non-coding transcript variant (2).
Genome position (GRCh38, 1-based): chr5:112,707,585, C>T. VCF-style: chr5-112707585-C-T. GRCh37 (hg19) VCF-style: chr5-112043282-C-T.
Other names: c.-316C>T (NM_001354895.2, NM_001407447.1, NM_001407452.1 and 3 more transcripts); c.-133C>T (NM_001354897.2, NM_001354902.2, NM_001407446.1); c.-83C>T (NM_001407448.1, NM_001407450.1, NM_001407457.1 and 1 more transcripts); c.-107C>T (NM_001407453.1); c.-1351C>T (NM_001407470.1, NM_001407472.1).
Identifiers: ClinVar variation 469836 (VCV000469836.38), dbSNP rs79896135, ClinGen allele CA124924944.

ClinVar aggregate classification (germline): Likely benign. Review status: criteria provided, multiple submitters, no conflicts (2 of 4 stars). 5 submissions from 5 submitters: Likely benign (4). 1 of the submissions does not count toward it. Last evaluated 2026-02-02.

Conditions:
APC-related disorder. Also called: APC-related condition.
Familial adenomatous polyposis 1 (FAP1). Also called: FAMILIAL ADENOMATOUS POLYPOSIS 1, ATTENUATED; POLYPOSIS, ADENOMATOUS INTESTINAL. Identifiers: MedGen C2713442, MONDO:0021056, OMIM 175100. Disease mechanism: loss of function.

gnomAD v4.1: 118 of 967,422 alleles (0.012%); highest among the groups gnomAD compares: Middle Eastern, 0.11%; 1 homozygote.

Submissions (5):

Labcorp Genetics (formerly Invitae), Labcorp
Classification: Likely benign for Familial adenomatous polyposis 1. Last evaluated: 2026-02-02. Review status: criteria provided, single submitter. Criteria: Invitae Variant Classification Sherloc (09022015). Collection method: clinical testing. Allele origin: germline.

Center for Genomic Medicine, Rigshospitalet, Copenhagen University Hospital
Classification: Likely benign. Last evaluated: 2025-03-04. Review status: criteria provided, single submitter. Criteria: ACMG Guidelines, 2015. Collection method: clinical testing. Allele origin: germline.

Blueprint Genetics
Classification: Likely benign. Last evaluated: 2024-09-05. Review status: criteria provided, single submitter. Criteria: ACMG Guidelines, 2015. Collection method: clinical testing. Allele origin: germline.

CeGaT Center for Human Genetics Tuebingen
Classification: Likely benign. Last evaluated: 2024-07-01. Review status: criteria provided, single submitter. Criteria: CeGaT Center For Human Genetics Tuebingen Variant Classification Criteria Version 2. Collection method: clinical testing. Allele origin: germline. Affected: yes. Observed: 2 variant alleles.
Comment: APC: BS1

PreventionGenetics, part of Exact Sciences
Classification: Likely benign for APC-related condition. Last evaluated: 2020-01-21. Review status: no assertion criteria provided. Collection method: clinical testing. Allele origin: germline. Not counted in ClinVar's aggregate classification.
Comment: This variant is classified as likely benign based on ACMG/AMP sequence variant interpretation guidelines (Richards et al. 2015 PMID: 25741868, with internal and published modifications).

Literature cited by the submitters: PubMed 28105931 (cited by Center for Genomic Medicine, Rigshospitalet, Copenhagen University Hospital).